The following is an entry in ClinVar:

NM_002609.4(PDGFRB):c.1630C>T (p.Leu544Phe)

Gene: PDGFRB (platelet derived growth factor receptor beta; minus strand). Cytogenetic location: 5q32.
Variant type: single nucleotide variant.
Coding change: c.1630C>T on transcript NM_002609.4 (MANE Select); coding-DNA position 1630, C replaced by T.
Protein change: p.Leu544Phe; replaces leucine 544 with phenylalanine.
Molecular consequence: missense variant.
Genome position (GRCh38, 1-based): chr5:150,126,564, G>A on the plus strand (C>T on the coding strand, the complement: PDGFRB is on the minus strand). VCF-style: chr5-150126564-G-A. GRCh37 (hg19) VCF-style: chr5-149506127-G-A.
Other names: c.1438C>T, p.Leu480Phe (NM_001355016.2); c.1147C>T, p.Leu383Phe (NM_001355017.2); short protein forms L383F, L480F, L544F.
Identifiers: ClinVar variation 1423324 (VCV001423324.8), dbSNP rs2113898287, ClinGen allele CA361713406.

ClinVar aggregate classification (germline): Uncertain significance (1 of 4 stars; one submission).

Conditions:
Acroosteolysis-keloid-like lesions-premature aging syndrome. Also called: Progeroid syndrome, Penttinen type; Premature aging syndrome, Penttinen type; Prematurely aged appearance, delayed bone maturation, acro-osteolysis, and brachydactyly. Identifiers: Orphanet 363665, MedGen C1866182, MONDO:0011150, OMIM 601812.
Skeletal overgrowth-craniofacial dysmorphism-hyperelastic skin-white matter lesions syndrome. Also called: SKELETAL OVERGROWTH WITH FACIAL DYSMORPHISM, HYPERELASTIC SKIN, WHITE MATTER LESIONS, AND NEUROLOGIC DETERIORATION; Kosaki overgrowth syndrome. Identifiers: Orphanet 477831, MedGen C4225270, MONDO:0014704, OMIM 616592.
Basal ganglia calcification, idiopathic, 4 (PFBC4). Also called: PRIMARY FAMILIAL BRAIN CALCIFICATION 4, AUTOSOMAL DOMINANT; Familial Idiopathic Basal Ganglia Calcification 4. Identifiers: Orphanet 1980, MedGen C3554321, MONDO:0014004, OMIM 615007.
Infantile myofibromatosis (IMF). Also called: Congenital generalized fibromatosis. Identifiers: Orphanet 2591, MedGen C0432284, MONDO:0016824.

Allele frequency attached by ClinVar (database versions not stated): gnomAD exomes below 0.00001.
gnomAD v4.1: 1 of 1,610,316 alleles (0.000062%); highest among the groups gnomAD compares: Non-Finnish European, 0.000085%; no homozygotes.

Submission:

Labcorp Genetics (formerly Invitae), Labcorp
Classification: Uncertain significance for Basal ganglia calcification, idiopathic, 4; Skeletal overgrowth-craniofacial dysmorphism-hyperelastic skin-white matter lesions syndrome; Infantile myofibromatosis; Acroosteolysis-keloid-like lesions-premature aging syndrome. Last evaluated: 2021-05-21. Review status: criteria provided, single submitter. Criteria: Invitae Variant Classification Sherloc (09022015). Collection method: clinical testing. Allele origin: germline.
Comment: Advanced modeling of protein sequence and biophysical properties (such as structural, functional, and spatial information, amino acid conservation, physicochemical variation, residue mobility, and thermodynamic stability) performed at Invitae indicates that this missense variant is not expected to disrupt PDGFRB protein function. This variant has not been reported in the literature in individuals with PDGFRB-related conditions. This variant is not present in population databases (ExAC no frequency). This sequence change replaces leucine with phenylalanine at codon 544 of the PDGFRB protein (p.Leu544Phe). The leucine residue is highly conserved and there is a small physicochemical difference between leucine and phenylalanine. In summary, the available evidence is currently insufficient to determine the role of this variant in disease. Therefore, it has been classified as a Variant of Uncertain Significance.